The following is an entry in ClinVar:

NM_000027.4(AGA):c.46C>T (p.Leu16Phe)

Gene: AGA (aspartylglucosaminidase; minus strand). Cytogenetic location: 4q34.3.
Variant type: single nucleotide variant.
Coding change: c.46C>T on transcript NM_000027.4 (MANE Select); coding-DNA position 46, C replaced by T.
Protein change: p.Leu16Phe; replaces leucine 16 with phenylalanine.
Molecular consequence: missense variant. On other transcripts: non-coding transcript variant (1).
Genome position (GRCh38, 1-based): chr4:177,442,330, G>A on the plus strand (C>T on the coding strand, the complement: AGA is on the minus strand). VCF-style: chr4-177442330-G-A. GRCh37 (hg19) VCF-style: chr4-178363484-G-A.
Other names: c.46C>T, p.Leu16Phe (NM_001171988.2); short protein forms L16F.
Identifiers: ClinVar variation 1981801 (VCV001981801.1), dbSNP rs1304530458, ClinGen allele CA358785138.

ClinVar aggregate classification (germline): Uncertain significance (1 of 4 stars; one submission).

Conditions:
Aspartylglucosaminuria (AGU). Also called: GLYCOASPARAGINASE; GLYCOSYLASPARAGINASE DEFICIENCY; Aspartylglucos-aminuria; Aspartylglucos-amidase (AGA) deficiency; AGA DEFICIENCY. Identifiers: Orphanet 93, MedGen C0268225, MONDO:0008830, OMIM 208400, HP:0012068.

Allele frequency attached by ClinVar (database versions not stated): gnomAD exomes below 0.00001.
gnomAD v4.1: 6 of 1,614,130 alleles (0.00037%); highest among the groups gnomAD compares: Middle Eastern, 0.033%; no homozygotes.

Submission:

Labcorp Genetics (formerly Invitae), Labcorp
Classification: Uncertain significance for Aspartylglucosaminuria. Last evaluated: 2022-08-09. Review status: criteria provided, single submitter. Criteria: Invitae Variant Classification Sherloc (09022015). Collection method: clinical testing. Allele origin: germline.
Comment: This sequence change replaces leucine, which is neutral and non-polar, with phenylalanine, which is neutral and non-polar, at codon 16 of the AGA protein (p.Leu16Phe). This variant is not present in population databases (gnomAD no frequency). This variant has not been reported in the literature in individuals affected with AGA-related conditions. Algorithms developed to predict the effect of missense changes on protein structure and function output the following: SIFT: "Tolerated"; PolyPhen-2: "Benign"; Align-GVGD: "Class C0". The phenylalanine amino acid residue is found in multiple mammalian species, which suggests that this missense change does not adversely affect protein function. In summary, the available evidence is currently insufficient to determine the role of this variant in disease. Therefore, it has been classified as a Variant of Uncertain Significance.